The following is an entry in ClinVar:

ClinVar aggregate classification (germline): Uncertain significance (1 of 4 stars; one submission).

Conditions:
Autosomal dominant hypocalcemia 1 (HYPOC1). Also called: HYPOCALCEMIA, FAMILIAL. Identifiers: MedGen C3715128, MONDO:0011013, OMIM 601198.
Familial hypocalciuric hypercalcemia (FHH). Also called: Familial benign hypercalcemia. Identifiers: Orphanet 405, MedGen C1809471, MONDO:0018458.

Allele frequency attached by ClinVar (database versions not stated): gnomAD exomes below 0.00001.
gnomAD v4.1: 2 of 1,614,230 alleles (0.00012%); highest among the groups gnomAD compares: Non-Finnish European, 0.000085%; no homozygotes.

Submission:

Labcorp Genetics (formerly Invitae), Labcorp
Classification: Uncertain significance for Familial hypocalciuric hypercalcemia; Autosomal dominant hypocalcemia 1. Last evaluated: 2023-08-30. Review status: criteria provided, single submitter. Criteria: Invitae Variant Classification Sherloc (09022015). Collection method: clinical testing. Allele origin: germline.
Comment: In summary, the available evidence is currently insufficient to determine the role of this variant in disease. Therefore, it has been classified as a Variant of Uncertain Significance. An algorithm developed to predict the effect of missense changes on protein structure and function (PolyPhen-2) suggests that this variant is likely to be tolerated. This variant has not been reported in the literature in individuals affected with CASR-related conditions. This variant is not present in population databases (gnomAD no frequency). This sequence change replaces leucine, which is neutral and non-polar, with isoleucine, which is neutral and non-polar, at codon 276 of the CASR protein (p.Leu276Ile).

NM_000388.4(CASR):c.826C>A (p.Leu276Ile)

Gene: CASR (calcium sensing receptor; plus strand). Cytogenetic location: 3q21.1.
Variant type: single nucleotide variant.
Coding change: c.826C>A on transcript NM_000388.4 (MANE Select); coding-DNA position 826, C replaced by A.
Protein change: p.Leu276Ile; replaces leucine 276 with isoleucine.
Molecular consequence: missense variant.
Genome position (GRCh38, 1-based): chr3:122,261,861, C>A. VCF-style: chr3-122261861-C-A. GRCh37 (hg19) VCF-style: chr3-121980708-C-A.
Other names: c.826C>A, p.Leu276Ile (NM_001178065.2); short protein forms L276I.
Identifiers: ClinVar variation 2951424 (VCV002951424.3), dbSNP rs2473226685, ClinGen allele CA354151440.
Genomic context (GRCh38, chr3:122,261,861, plus strand): 5'-GTAGAGGTGATTCAAAATTCCACGGCCAAAGTCATCGTGGTTTTCTCCAGTGGCCCAGAT[C>A]TTGAGCCCCTCATCAAGGAGATTGTCCGGCGCAATATCACGGGCAAGATCTGGCTGGCCA-3'
Protein context (NP_000379.3, residues 266-286): VIVVFSSGPD[Leu276Ile]EPLIKEIVRR